The following is an entry in ClinVar:

NM_001384474.1(LOXHD1):c.205G>T (p.Gly69Ter)

Gene: LOXHD1 (lipoxygenase homology PLAT domains 1; minus strand). Cytogenetic location: 18q21.1.
Variant type: single nucleotide variant.
Coding change: c.205G>T on transcript NM_001384474.1 (MANE Select); coding-DNA position 205, G replaced by T.
Protein change: p.Gly69Ter; replaces glycine 69 with a stop codon.
Molecular consequence: nonsense.
Genome position (GRCh38, 1-based): chr18:46,649,195, C>A on the plus strand (G>T on the coding strand, the complement: LOXHD1 is on the minus strand). VCF-style: chr18-46649195-C-A. GRCh37 (hg19) VCF-style: chr18-44229158-C-A.
Other names: c.205G>T, p.Gly69Ter (NM_144612.7); short protein forms G69*.
Identifiers: ClinVar variation 1725355 (VCV001725355.2), dbSNP rs945616168, ClinGen allele CA299811788.

ClinVar aggregate classification (germline): Likely pathogenic (1 of 4 stars; one submission).

Conditions:
Autosomal recessive nonsyndromic hearing loss 77. Identifiers: Orphanet 90636, MedGen C2746083, MONDO:0013119, OMIM 613079.

Submission:

Myriad Genetics, Inc.
Classification: Likely pathogenic for Autosomal recessive nonsyndromic hearing loss 77. Last evaluated: 2022-03-17. Review status: criteria provided, single submitter. Criteria: Myriad Women's Health Autosomal Recessive and X-Linked Classification Criteria (2021). Collection method: clinical testing. Allele origin: unknown.
Comment: NM_144612.6(LOXHD1):c.205G>T(G69*) is expected to be pathogenic in the context of LOXHD1-related DFNB77 hearing loss and deafness. This variant is predicted to lead to an abnormal or absent protein product due to the creation of a premature termination codon in LOXHD1, a gene where loss-of-function variants are known to be pathogenic. Please note: this variant was assessed in the context of healthy population screening.